The following is an entry in ClinVar:

NM_001080449.3(DNA2):c.2705C>T (p.Ala902Val)

Gene: DNA2 (DNA replication helicase/nuclease 2; minus strand). Cytogenetic location: 10q21.3.
Variant type: single nucleotide variant.
Coding change: c.2705C>T on transcript NM_001080449.3 (MANE Select); coding-DNA position 2705, C replaced by T.
Protein change: p.Ala902Val; replaces alanine 902 with valine.
Molecular consequence: missense variant. On other transcripts: non-coding transcript variant (1).
Genome position (GRCh38, 1-based): chr10:68,419,885, G>A on the plus strand (C>T on the coding strand, the complement: DNA2 is on the minus strand). VCF-style: chr10-68419885-G-A. GRCh37 (hg19) VCF-style: chr10-70179642-G-A.
Other names: c.2705C>T (NM_001080449.2); short protein forms A902V.
Identifiers: ClinVar variation 1430340 (VCV001430340.9), dbSNP rs746828357, ClinGen allele CA5524745.

ClinVar aggregate classification (germline): Uncertain significance. Review status: criteria provided, multiple submitters, no conflicts (2 of 4 stars). 2 submissions from 2 submitters: Uncertain significance (2). Last evaluated 2025-02-26.

Conditions:
DNA2-related disorder. Also called: DNA2-related condition.

Allele frequency attached by ClinVar (database versions not stated): ExAC 0.00001; gnomAD 0.00004; TOPMed 0.00007.

Submissions (2):

PreventionGenetics, part of Exact Sciences
Classification: Uncertain significance for DNA2-related condition. Last evaluated: 2025-02-26. Review status: criteria provided, single submitter. Criteria: ACMG Guidelines, 2015. Collection method: clinical testing. Allele origin: germline.
Comment: The DNA2 c.2705C>T variant is predicted to result in the amino acid substitution p.Ala902Val. To our knowledge, this variant has not been reported in the literature. This variant is reported in 0.0033% of alleles in individuals of South Asian descent in gnomAD. At this time, the clinical significance of this variant is uncertain due to the absence of conclusive functional and genetic evidence.

Labcorp Genetics (formerly Invitae), Labcorp
Classification: Uncertain significance. Last evaluated: 2025-02-10. Review status: criteria provided, single submitter. Criteria: Invitae Variant Classification Sherloc (09022015). Collection method: clinical testing. Allele origin: germline.
Comment: This sequence change replaces alanine, which is neutral and non-polar, with valine, which is neutral and non-polar, at codon 902 of the DNA2 protein (p.Ala902Val). This variant is present in population databases (rs746828357, gnomAD 0.003%). This variant has not been reported in the literature in individuals affected with DNA2-related conditions. ClinVar contains an entry for this variant (Variation ID: 1430340). Invitae Evidence Modeling of protein sequence and biophysical properties (such as structural, functional, and spatial information, amino acid conservation, physicochemical variation, residue mobility, and thermodynamic stability) indicates that this missense variant is expected to disrupt DNA2 protein function with a positive predictive value of 80%. In summary, the available evidence is currently insufficient to determine the role of this variant in disease. Therefore, it has been classified as a Variant of Uncertain Significance.